The following is an entry in ClinVar:

ClinVar aggregate classification (germline): Uncertain significance (1 of 4 stars; one submission).

Submission:

Ambry Genetics
Classification: Uncertain significance. Last evaluated: 2024-12-03. Review status: criteria provided, single submitter. Criteria: Ambry Variant Classification Scheme 2023. Collection method: clinical testing. Allele origin: germline.
Comment: The p.A458V variant (also known as c.1373C>T), located in coding exon 10 of the RINT1 gene, results from a C to T substitution at nucleotide position 1373. The alanine at codon 458 is replaced by valine, an amino acid with similar properties. This amino acid position is conserved. In addition, this alteration is predicted to be tolerated by in silico analysis. Based on the available evidence, the clinical significance of this variant remains unclear.

NM_021930.6(RINT1):c.1373C>T (p.Ala458Val)

Gene: RINT1 (RAD50 interactor 1; plus strand). Cytogenetic location: 7q22.3.
Variant type: single nucleotide variant.
Coding change: c.1373C>T on transcript NM_021930.6 (MANE Select); coding-DNA position 1373, C replaced by T.
Protein change: p.Ala458Val; replaces alanine 458 with valine.
Molecular consequence: missense variant. On other transcripts: non-coding transcript variant (1).
Genome position (GRCh38, 1-based): chr7:105,551,609, C>T. VCF-style: chr7-105551609-C-T. GRCh37 (hg19) VCF-style: chr7-105192056-C-T.
Other names: c.1139C>T, p.Ala380Val (NM_001346599.2); c.350C>T, p.Ala117Val (NM_001346600.2, NM_001346603.2); c.449C>T, p.Ala150Val (NM_001346601.2); short protein forms A117V, A150V, A458V, A380V.
Identifiers: ClinVar variation 3433665 (VCV003433665.1).